The following is an entry in ClinVar:

ClinVar aggregate classification (germline): Conflicting classifications of pathogenicity. Review status: criteria provided, conflicting classifications (1 of 4 stars). 3 submissions from 3 submitters: Uncertain significance (2); Likely benign (1). Last evaluated 2024-03-26.

Conditions:
Inborn genetic diseases. Identifiers: MedGen C0950123, MeSH D030342.
Reticular dysgenesis. Also called: ALEUKOCYTOSIS; CONGENITAL ALEUKIA; HEMATOPOIETIC HYPOPLASIA, GENERALIZED; RETICULAR DYSGENESIA; SEVERE COMBINED IMMUNODEFICIENCY WITH LEUKOPENIA; DeVaal disease. Identifiers: Orphanet 33355, MedGen C0272167, MONDO:0009973, OMIM 267500.

Allele frequency attached by ClinVar (database versions not stated): gnomAD 0.00007 and 0.00009; gnomAD exomes 0.00008 and 0.00016; ExAC 0.00018.
gnomAD v4.1: 127 of 1,613,684 alleles (0.0079%); highest among the groups gnomAD compares: Middle Eastern, 0.016%; 1 homozygote.

Submissions (3):

Blueprint Genetics
Classification: Likely benign. Last evaluated: 2024-03-26. Review status: criteria provided, single submitter. Criteria: ACMG Guidelines, 2015. Collection method: clinical testing. Allele origin: germline.

Ambry Genetics
Classification: Uncertain significance for Inborn genetic diseases. Last evaluated: 2021-09-01. Review status: criteria provided, single submitter. Criteria: Ambry Variant Classification Scheme 2023. Collection method: clinical testing. Allele origin: germline.

Labcorp Genetics (formerly Invitae), Labcorp
Classification: Uncertain significance for Reticular dysgenesis. Last evaluated: 2021-07-06. Review status: criteria provided, single submitter. Criteria: Invitae Variant Classification Sherloc (09022015). Collection method: clinical testing. Allele origin: germline.
Comment: This variant is present in population databases (rs201817938, ExAC 0.2%). This variant has not been reported in the literature in individuals with AK2-related conditions. Algorithms developed to predict the effect of missense changes on protein structure and function are either unavailable or do not agree on the potential impact of this missense change (SIFT: "Deleterious"; PolyPhen-2: "Benign"; Align-GVGD: "Class C0"). In summary, the available evidence is currently insufficient to determine the role of this variant in disease. Therefore, it has been classified as a Variant of Uncertain Significance. This sequence change replaces alanine with threonine at codon 221 of the AK2 protein (p.Ala221Thr). The alanine residue is highly conserved and there is a small physicochemical difference between alanine and threonine.

NM_001625.4(AK2):c.661G>A (p.Ala221Thr)

Gene: AK2 (adenylate kinase 2; minus strand). Cytogenetic location: 1p35.1.
Variant type: single nucleotide variant.
Coding change: c.661G>A on transcript NM_001625.4 (MANE Select); coding-DNA position 661, G replaced by A.
Protein change: p.Ala221Thr; replaces alanine 221 with threonine.
Molecular consequence: missense variant. On other transcripts: 3 prime UTR variant (1), non-coding transcript variant (1).
Genome position (GRCh38, 1-based): chr1:33,013,240, C>T on the plus strand (G>A on the coding strand, the complement: AK2 is on the minus strand). VCF-style: chr1-33013240-C-T. GRCh37 (hg19) VCF-style: chr1-33478841-C-T.
Other names: c.637G>A, p.Ala213Thr (NM_001199199.3); c.517G>A, p.Ala173Thr (NM_001319139.3, NM_001319140.2); c.661G>A, p.Ala221Thr (NM_001319141.3, NM_013411.5); c.535G>A, p.Ala179Thr (NM_001319142.3); c.*164G>A (NM_001319143.2); c.661G>A (NM_001625.3); short protein forms A179T, A221T, A213T, A173T.
Identifiers: ClinVar variation 1524282 (VCV001524282.10), dbSNP rs201817938, ClinGen allele CA747034.
Genomic context (GRCh38, chr1:33,013,240, plus strand): 5'-ATTAGATAAACATAACCAAGTCTTTACATGTGGCTTTGGAGAAGGCTGCTAGGATGCTTG[C>T]GAACACGACATCGGGGGTCTGGGATGCATCGATGGCGGAGTGGATCCCCCGTTTCCTGTA-3'
Protein context (NP_001616.1, residues 211-231): DASQTPDVVF[Ala221Thr]SILAAFSKAT